The following is an entry in ClinVar:

NM_015450.3(POT1):c.1869_1877delinsAATTTTGG (p.Phe625fs)

Gene: POT1 (protection of telomeres 1; minus strand). Cytogenetic location: 7q31.33.
Variant type: Indel.
Coding change: c.1869_1877delinsAATTTTGG on transcript NM_015450.3 (MANE Select); coding-DNA positions 1869 to 1877, GATTTTTGA replaced by AATTTTGG.
Protein change: p.Phe625fs; shifts the reading frame from phenylalanine 625.
Molecular consequence: frameshift variant. On other transcripts: non-coding transcript variant (3).
Genome position (GRCh38, 1-based): chr7:124,823,990-124,823,998, TCAAAAATC replaced by CCAAAATT on the plus strand (GATTTTTGA replaced by AATTTTGG on the coding strand, the reverse complement: POT1 is on the minus strand). VCF-style: chr7-124823990-TCAAAAATC-CCAAAATT. GRCh37 (hg19) VCF-style: chr7-124464044-TCAAAAATC-CCAAAATT.
Other names: c.1476_1484delinsAATTTTGG, p.Phe494fs (NM_001042594.2); short protein forms F625fs, F494fs.
Identifiers: ClinVar variation 820221 (VCV000820221.4), dbSNP rs1584745506, ClinGen allele CA915945490.

ClinVar aggregate classification (germline): Uncertain significance (1 of 4 stars; one submission).

Conditions:
Hereditary cancer-predisposing syndrome. Also called: Neoplastic Syndromes, Hereditary; Tumor predisposition; Hereditary Cancer Syndrome; Hereditary neoplastic syndrome. Identifiers: Orphanet 140162, MedGen C0027672, MeSH D009386, MONDO:0015356.

Submission:

Ambry Genetics
Classification: Uncertain significance for Hereditary cancer-predisposing syndrome. Last evaluated: 2021-12-28. Review status: criteria provided, single submitter. Criteria: Ambry Variant Classification Scheme 2023. Collection method: clinical testing. Allele origin: germline.
Comment: The c.1869_1877delGATTTTTGAinsAATTTTGG variant, located in coding exon 15 of the POT1 gene, results from the deletion of 9 nucleotides and insertion of 8 nucleotides causing a translational frameshift with a predicted alternate stop codon (p.F625Lfs*9). Frameshifts are typically deleterious in nature, however, this frameshift occurs at the 3' terminus of POT1, is not expected to trigger nonsense-mediated mRNA decay, and impacts only the last 10 amino acids of the protein. The exact functional impact of these altered amino acids is unknown at this time. Since supporting evidence is limited at this time, the clinical significance of this alteration remains unclear.